The following is an entry in ClinVar:

ClinVar aggregate classification (germline): Uncertain significance (1 of 4 stars; one submission).

Conditions:
Immunodeficiency-centromeric instability-facial anomalies syndrome 2 (ICF2). Identifiers: Orphanet 2268, MedGen C3279748, MONDO:0013553, OMIM 614069.

gnomAD v4.1: 1 of 1,614,150 alleles (0.000062%); highest among the groups gnomAD compares: Non-Finnish European, 0.000085%; no homozygotes.

Submission:

Labcorp Genetics (formerly Invitae), Labcorp
Classification: Uncertain significance for Immunodeficiency-centromeric instability-facial anomalies syndrome 2. Last evaluated: 2022-04-16. Review status: criteria provided, single submitter. Criteria: Invitae Variant Classification Sherloc (09022015). Collection method: clinical testing. Allele origin: germline.
Comment: In summary, the available evidence is currently insufficient to determine the role of this variant in disease. Therefore, it has been classified as a Variant of Uncertain Significance. Algorithms developed to predict the effect of sequence changes on RNA splicing suggest that this variant may create or strengthen a splice site. Algorithms developed to predict the effect of missense changes on protein structure and function are either unavailable or do not agree on the potential impact of this missense change (SIFT: "Not Available"; PolyPhen-2: "Possibly Damaging"; Align-GVGD: "Not Available"). This variant has not been reported in the literature in individuals affected with ZBTB24-related conditions. This variant is not present in population databases (gnomAD no frequency). This sequence change replaces asparagine, which is neutral and polar, with lysine, which is basic and polar, at codon 45 of the ZBTB24 protein (p.Asn45Lys).

NM_014797.3(ZBTB24):c.135T>G (p.Asn45Lys)

Gene: ZBTB24 (zinc finger and BTB domain containing 24; minus strand). Cytogenetic location: 6q21.
Variant type: single nucleotide variant.
Coding change: c.135T>G on transcript NM_014797.3 (MANE Select); coding-DNA position 135, T replaced by G.
Protein change: p.Asn45Lys; replaces asparagine 45 with lysine.
Molecular consequence: missense variant.
Genome position (GRCh38, 1-based): chr6:109,481,892, A>C on the plus strand (T>G on the coding strand, the complement: ZBTB24 is on the minus strand). VCF-style: chr6-109481892-A-C. GRCh37 (hg19) VCF-style: chr6-109803095-A-C.
Other names: c.135T>G, p.Asn45Lys (NM_001164313.2); short protein forms N45K.
Identifiers: ClinVar variation 2121945 (VCV002121945.4), dbSNP rs374383327, ClinGen allele CA365211768.